The following is an entry in ClinVar:

NM_001368397.1(FRMPD4):c.1479G>A (p.Thr493=)

Gene: FRMPD4 (FERM and PDZ domain containing 4; plus strand). Cytogenetic location: Xp22.2.
Variant type: single nucleotide variant.
Coding change: c.1479G>A on transcript NM_001368397.1 (MANE Select); coding-DNA position 1479, G replaced by A.
Protein change: p.Thr493=; no amino-acid change (threonine 493 retained).
Molecular consequence: synonymous variant.
Genome position (GRCh38, 1-based): chrX:12,710,407, G>A. VCF-style: chrX-12710407-G-A. GRCh37 (hg19) VCF-style: chrX-12728526-G-A.
Other names: c.1590G>A, p.Thr530= (NM_001368395.3, NM_001368398.3); c.1485G>A, p.Thr495= (NM_001368396.3); c.1470G>A, p.Thr490= (NM_001368399.3); c.1359G>A, p.Thr453= (NM_001368400.3); c.1455G>A, p.Thr485= (NM_001368401.1, NM_001368402.3); c.1479G>A, p.Thr493= (NM_014728.3).
Identifiers: ClinVar variation 2660006 (VCV002660006.24), dbSNP rs773949472, ClinGen allele CA10349311.

ClinVar aggregate classification (germline): Likely benign (1 of 4 stars; one submission).

Allele frequency attached by ClinVar (database versions not stated): gnomAD 0.00011; TOPMed 0.00011; ExAC 0.00034.
gnomAD v4.1: 77 of 1,200,629 alleles (0.0064%); highest among the groups gnomAD compares: East Asian, 0.13%; no homozygotes.

Submission:

CeGaT Center for Human Genetics Tuebingen
Classification: Likely benign. Last evaluated: 2022-03-01. Review status: criteria provided, single submitter. Criteria: CeGaT Center For Human Genetics Tuebingen Variant Classification Criteria Version 2. Collection method: clinical testing. Allele origin: germline. Affected: yes. Observed: 1 variant allele.
Comment: FRMPD4: BP4, BP7